The following is an entry in ClinVar:

ClinVar aggregate classification (germline): Pathogenic. Review status: criteria provided, single submitter (1 of 4 stars). 2 submissions from 2 submitters: Pathogenic (1). 1 of the submissions does not count toward it. Last evaluated 2026-04-01.

Conditions:
Neuromuscular disorder, congenital, with dysmorphic facies. Identifiers: MedGen C5935643, MONDO:0958332, OMIM 620775.

Allele frequency attached by ClinVar (database versions not stated): ExAC 0.00001; gnomAD 0.00002; TOPMed 0.00002.

Submissions (2):

Department of Genetics, Sultan Qaboos University Hospital
Classification: Pathogenic for Neuromuscular disorder, congenital, with dysmorphic facies. Last evaluated: 2026-04-01. Review status: criteria provided, single submitter. Criteria: ACMG Guidelines, 2015. Collection method: clinical testing. Allele origin: germline. Affected: yes. Observed: 1 variant allele.
Comment: PVS1, PM2_Supporting, PP1_Moderate

OMIM
Classification: Pathogenic for NEUROMUSCULAR DISORDER, CONGENITAL, WITH DYSMORPHIC FACIES. Last evaluated: 2024-04-03. Review status: no assertion criteria provided. Collection method: literature only. Allele origin: germline. Not counted in ClinVar's aggregate classification.

Literature cited by the submitters: PubMed 36943452 (cited by OMIM).

NM_015687.5(FILIP1):c.2665C>T (p.Arg889Ter)

Gene: FILIP1 (filamin A interacting protein 1; minus strand). Cytogenetic location: 6q14.1.
Variant type: single nucleotide variant.
Coding change: c.2665C>T on transcript NM_015687.5 (MANE Select); coding-DNA position 2665, C replaced by T.
Protein change: p.Arg889Ter; replaces arginine 889 with a stop codon.
Molecular consequence: nonsense.
Genome position (GRCh38, 1-based): chr6:75,313,167, G>A on the plus strand (C>T on the coding strand, the complement: FILIP1 is on the minus strand). VCF-style: chr6-75313167-G-A. GRCh37 (hg19) VCF-style: chr6-76022883-G-A.
Other names: c.2674C>T, p.Arg892Ter (NM_001289987.3); c.2665C>T, p.Arg889Ter (NM_001300866.3); short protein forms R889*, R892*.
Identifiers: ClinVar variation 3066459 (VCV003066459.2), dbSNP rs775141616, ClinGen allele CA3895233.